The following is an entry in ClinVar:

NM_000535.7(PMS2):c.319C>T (p.Arg107Trp)

Gene: PMS2 (PMS1 homolog 2, mismatch repair system component; minus strand). Cytogenetic location: 7p22.1.
Variant type: single nucleotide variant.
Coding change: c.319C>T on transcript NM_000535.7 (MANE Select); coding-DNA position 319, C replaced by T.
Protein change: p.Arg107Trp; replaces arginine 107 with tryptophan.
Molecular consequence: missense variant. On other transcripts: 5 prime UTR variant (9), non-coding transcript variant (1), intron variant (2).
Genome position (GRCh38, 1-based): chr7:6,003,724, G>A on the plus strand (C>T on the coding strand, the complement: PMS2 is on the minus strand). VCF-style: chr7-6003724-G-A. GRCh37 (hg19) VCF-style: chr7-6043355-G-A.
Other names: p.R107W:CGG>TGG; c.-87C>T (NM_001322003.2, NM_001322004.2, NM_001322005.2 and 3 more transcripts); c.319C>T, p.Arg107Trp (NM_001322006.2, NM_001322014.2); c.-566C>T (NM_001322011.2, NM_001322012.2); c.-166C>T (NM_001322015.2); c.35+248C>T (NM_001322008.2, NM_001322007.2); short protein forms R107W.
Identifiers: ClinVar variation 127789 (VCV000127789.41), dbSNP rs188006077, ClinGen allele CA011828.
Genomic context (GRCh38, chr7:6,003,724, plus strand): 5'-GTGAGTGGATAAAAATATTGTATCACCTCAGTGCACAAAGTGAGCTCAGAGCTTCCCCCC[G>A]AAAGCCAAAAGTTTCAACCTGAGTTAGGTCGGCAAACTCTTGAATCTTAGATGTGTGATG-3'
Protein context (NP_000526.2, residues 97-117): DLTQVETFGF[Arg107Trp]GEALSSLCAL

ClinVar aggregate classification (germline): Pathogenic/Likely pathogenic. Review status: criteria provided, multiple submitters, no conflicts (2 of 4 stars). 11 submissions from 11 submitters: Pathogenic (1); Likely pathogenic (10). Last evaluated 2025-10-17.

Conditions:
PMS2-related disorder. Also called: PMS2-related condition.
Lynch syndrome 4 (LYNCH4). Also called: Colorectal cancer, hereditary nonpolyposis, type 4; Hereditary non-polyposis colorectal cancer, type 4. Identifiers: Orphanet 144, MedGen C1838333, MONDO:0013699, OMIM 614337. Disease mechanism: loss of function.
Mismatch repair cancer syndrome 4. Identifiers: MedGen C5436817, MONDO:0030843, OMIM 619101.
Hereditary nonpolyposis colon cancer (HNPCC). Also called: Hereditary nonpolyposis colorectal cancer; Familial nonpolyposis colon cancer; Hereditary Nonpolyposis Colorectal Cancer Syndrome. Identifiers: Orphanet 443909, MedGen C1333990, MONDO:0018630. Disease mechanism: loss of function.
Hereditary nonpolyposis colorectal neoplasms. Identifiers: MedGen C0009405, MeSH D003123.
Hereditary cancer-predisposing syndrome. Also called: Neoplastic Syndromes, Hereditary; Tumor predisposition; Hereditary Cancer Syndrome; Hereditary neoplastic syndrome. Identifiers: Orphanet 140162, MedGen C0027672, MeSH D009386, MONDO:0015356.
Lynch syndrome. Identifiers: Orphanet 144, MedGen C4552100, MONDO:0005835. Disease mechanism: loss of function.

Allele frequency attached by ClinVar (database versions not stated): ExAC 0.00001; gnomAD 0.00001; gnomAD exomes 0.00001; 1000 Genomes Project 30x 0.00016; 1000 Genomes Project 0.00020.
gnomAD v4.1: 13 of 1,598,850 alleles (0.00081%); highest among the groups gnomAD compares: East Asian, 0.0022%; no homozygotes.

Submissions 1 to 5 of 11:

Ambry Genetics
Classification: Likely pathogenic for Hereditary cancer-predisposing syndrome. Last evaluated: 2025-10-17. Review status: criteria provided, single submitter. Criteria: Ambry Variant Classification Scheme 2023. Collection method: clinical testing. Allele origin: germline.
Comment: The p.R107W variant (also known as c.319C>T), located in coding exon 4 of the PMS2 gene, results from a C to T substitution at nucleotide position 319. The arginine at codon 107 is replaced by tryptophan, an amino acid with dissimilar properties. This variant has been reported in trans with a PMS2 exon 10 deletion in a patient with suspected CMMRD; however, PMS2 protein expression was normal by immunohistochemistry (IHC) performed on the patient's tumor sample (van der Klift HM et al. Hum. Mutat. 2016 Nov;37:1162-1179). This alteration has also been identified in several individuals whose family history met Amsterdam II criteria for Lynch syndrome and/or colorectal tumors showed normal PMS2 protein expression on IHC, but displayed high microsatellite instability (MSI-H) (Ambry internal data; van der Klift HM et al. Hum. Mutat. 2016 11;37:1162-1179). In an in vitro mismatch repair (MMR) complementation assay, the MMR activity of p.R107W was reduced to less than 20% compared to wild type (100%), which was similar to other pathogenic/likely pathogenic variants in the assay (van der Klift HM et al. Hum. Mutat. 2016 11;37:1162-1179). Patient RNA analysis and in vitro minigene assays of the c.319C>T variant both demonstrated expression of alternatively spliced transcripts in addition to the full length PMS2 transcript, but this was not directly quantified (van der Klift HM et al. Mol. Genet. Genomic Med. 2015 Jul;3:327-45). This amino acid position is highly conserved in available vertebrate species. In addition, this alteration is predicted to be deleterious by in silico analysis. Based on the majority of available evidence to date, this variant is likely to be pathogenic.

PreventionGenetics, part of Exact Sciences
Classification: Likely pathogenic for PMS2-related condition. Last evaluated: 2025-04-17. Review status: criteria provided, single submitter. Criteria: ACMG Guidelines, 2015. Collection method: clinical testing. Allele origin: germline.
Comment: The PMS2 c.319C>T variant is predicted to result in the amino acid substitution p.Arg107Trp. This variant has been described as heterozygous in an individual with Lynch syndrome and in trans with a pathogenic variant in an individual with constitutional mismatch repair deficiency (CMMRD) syndrome (van der Klift et al. 2016. PubMed ID: 27435373). Additional individuals affected with Lynch syndrome-associated cancer have also been reported with this variant (Supplementary Table 2, ten Broeke et al. 2015. PubMed ID: 25512458; Table 3, Salvador et al. 2019. PubMed ID: 30702970). Functional studies have demonstrated that this missense change affects PMS2 function wherein the mismatch repair activity was reduced to less than 20% compared to wild type (van der Klift et al. 2016. PubMed ID: 27435373). This variant is reported in 0.0055% of alleles in individuals of East Asian descent in gnomAD and has conflicting interpretations regarding its pathogenicity in ClinVar, ranging from uncertain to pathogenic. This variant is interpreted as likely pathogenic.

Labcorp Genetics (formerly Invitae), Labcorp
Classification: Pathogenic for Hereditary nonpolyposis colorectal neoplasms. Last evaluated: 2025-04-03. Review status: criteria provided, single submitter. Criteria: Invitae Variant Classification Sherloc (09022015). Collection method: clinical testing. Allele origin: germline.
Comment: This sequence change replaces arginine, which is basic and polar, with tryptophan, which is neutral and slightly polar, at codon 107 of the PMS2 protein (p.Arg107Trp). This variant is present in population databases (rs188006077, gnomAD 0.002%). This missense change has been observed in individual(s) with constitutional mismatch repair deficiency syndrome and Lynch syndrome (PMID: 25512458, 26110232, 27435373, 30702970). In at least one individual the data is consistent with being in trans (on the opposite chromosome) from a pathogenic variant. ClinVar contains an entry for this variant (Variation ID: 127789). Invitae Evidence Modeling of protein sequence and biophysical properties (such as structural, functional, and spatial information, amino acid conservation, physicochemical variation, residue mobility, and thermodynamic stability) indicates that this missense variant is expected to disrupt PMS2 protein function with a positive predictive value of 80%. Experimental studies have shown that this missense change affects PMS2 function (PMID: 27435373). Studies have shown that this missense change is associated with inconclusive levels of altered splicing (internal data). For these reasons, this variant has been classified as Pathogenic.

Molecular Pathology, Peter Maccallum Cancer Centre
Classification: Likely pathogenic for Lynch syndrome 4. Last evaluated: 2025-01-16. Review status: criteria provided, single submitter. Criteria: ACMG Guidelines, 2015. Collection method: clinical testing. Allele origin: germline. Inheritance: Autosomal dominant inheritance.

Women's Health and Genetics/Laboratory Corporation of America, LabCorp
Classification: Likely pathogenic for Hereditary nonpolyposis colon cancer. Last evaluated: 2025-01-02. Review status: criteria provided, single submitter. Criteria: LabCorp Variant Classification Summary - May 2015. Collection method: clinical testing. Allele origin: germline.
Comment: Variant summary: PMS2 c.319C>T (p.Arg107Trp) results in a non-conservative amino acid change located in the DNA mismatch repair protein family, N-terminal domain of the encoded protein sequence. Five of five in-silico tools predict a damaging effect of the variant on protein function. Consensus agreement among computation tools predict no significant impact on normal splicing. However, splicing studies have shown that this variant promotes the expression of the alternative transcripts lacking exon 4 over full-length (FL) transcripts (van der Klift_2015). The alternative transcripts are also found in wt RNA, and, since the exact differences in the rate of expression of the FL and alternative transcripts could not be determined, the translational impact of this variant remains uncertain. The variant allele was found at a frequency of 1.3e-05 in 236786 control chromosomes. c.319C>T has been reported in the literature as a biallelic compound heterozygous genotype in an individual affected with constitutional mismatch repair deficiency (vanderKlift_2016 overlapping with tenBroeke_2015)and as a carrier genotype in individuals from a family with Lynch syndrome (Suerink_2015). It has also been reported as a variant of somatic origin in an individual with endometrial cancer who harbored other putatively causative variants in other genes (Stelloo_2017) and as a variant of somatic origin in an individual with Lynch syndrome who harbored a PMS2 exon 12 deletion of germline origin (Salvador_2019). At least one publication reports experimental evidence evaluating an impact on protein function in-vitro. The most pronounced variant effect results in abrogation of mismatch repair (MMR) activity at levels identical to or lower than the repair-deficient control (van der Klift_2016). The following publications have been ascertained in the context of this evaluation (PMID: 29445031, 30702970, 27742654, 26110232, 25512458, 27435373, 26247049). ClinVar contains an entry for this variant (Variation ID: 127789). Based on the evidence outlined above, the variant was classified as likely pathogenic.